The following is an entry in ClinVar:

ClinVar aggregate classification (germline): Uncertain significance. Review status: criteria provided, multiple submitters, no conflicts (2 of 4 stars). 2 submissions from 2 submitters: Uncertain significance (2). Last evaluated 2025-09-14.

Conditions:
Hereditary cancer-predisposing syndrome. Also called: Neoplastic Syndromes, Hereditary; Tumor predisposition; Hereditary Cancer Syndrome; Hereditary neoplastic syndrome. Identifiers: Orphanet 140162, MedGen C0027672, MeSH D009386, MONDO:0015356.

Submissions (2):

Labcorp Genetics (formerly Invitae), Labcorp
Classification: Uncertain significance. Last evaluated: 2025-09-14. Review status: criteria provided, single submitter. Criteria: Invitae Variant Classification Sherloc (09022015). Collection method: clinical testing. Allele origin: germline.
Comment: This sequence change replaces threonine, which is neutral and polar, with methionine, which is neutral and non-polar, at codon 325 of the CTNNA1 protein (p.Thr325Met). This variant is not present in population databases (gnomAD no frequency). This variant has not been reported in the literature in individuals affected with CTNNA1-related conditions. ClinVar contains an entry for this variant (Variation ID: 648677). Invitae Evidence Modeling of protein sequence and biophysical properties (such as structural, functional, and spatial information, amino acid conservation, physicochemical variation, residue mobility, and thermodynamic stability) indicates that this missense variant is expected to disrupt CTNNA1 protein function with a positive predictive value of 80%. In summary, the available evidence is currently insufficient to determine the role of this variant in disease. Therefore, it has been classified as a Variant of Uncertain Significance.

Ambry Genetics
Classification: Uncertain significance for Hereditary cancer-predisposing syndrome. Last evaluated: 2024-04-24. Review status: criteria provided, single submitter. Criteria: Ambry Variant Classification Scheme 2023. Collection method: clinical testing. Allele origin: germline.
Comment: The p.T325M variant (also known as c.974C>T), located in coding exon 6 of the CTNNA1 gene, results from a C to T substitution at nucleotide position 974. The threonine at codon 325 is replaced by methionine, an amino acid with similar properties. This amino acid position is highly conserved in available vertebrate species. In addition, the in silico prediction for this alteration is inconclusive. The evidence for this gene-disease relationship is limited; therefore, the clinical significance of this alteration is unclear.

NM_001903.5(CTNNA1):c.974C>T (p.Thr325Met)

Gene: CTNNA1 (catenin alpha 1; plus strand). Cytogenetic location: 5q31.2.
Variant type: single nucleotide variant.
Coding change: c.974C>T on transcript NM_001903.5 (MANE Select); coding-DNA position 974, C replaced by T.
Protein change: p.Thr325Met; replaces threonine 325 with methionine.
Molecular consequence: missense variant.
Genome position (GRCh38, 1-based): chr5:138,827,630, C>T. VCF-style: chr5-138827630-C-T. GRCh37 (hg19) VCF-style: chr5-138163319-C-T.
Other names: c.974C>T (NM_001903.2); c.974C>T, p.Thr325Met (NM_001290307.3, NM_001323982.2, NM_001323983.1 and 3 more transcripts); c.665C>T, p.Thr222Met (NM_001290309.3); c.605C>T, p.Thr202Met (NM_001290310.3); short protein forms T202M, T222M, T325M.
Identifiers: ClinVar variation 648677 (VCV000648677.7), dbSNP rs1581178471, ClinGen allele CA361131037.
Genomic context (GRCh38, chr5:138,827,630, plus strand): 5'-TGGAGGAGCGTCTGGAAAGCATCATTAGTGGGGCTGCCTTGATGGCCGACTCGTCCTGCA[C>T]GCGTGATGACCGTCGTGAGCGAATTGTGGCAGAGTGTAATGCTGTCCGCCAGGCCCTGCA-3'
Protein context (NP_001894.2, residues 315-335): GAALMADSSC[Thr325Met]RDDRRERIVA